The following is an entry in ClinVar:

NM_001927.4(DES):c.1078G>T (p.Ala360Ser)

Gene: DES (desmin; plus strand). Cytogenetic location: 2q35.
Variant type: single nucleotide variant.
Coding change: c.1078G>T on transcript NM_001927.4 (MANE Select); coding-DNA position 1078, G replaced by T.
Protein change: p.Ala360Ser; replaces alanine 360 with serine.
Molecular consequence: missense variant. On other transcripts: intron variant (2).
Genome position (GRCh38, 1-based): chr2:219,421,394, G>T. VCF-style: chr2-219421394-G-T. GRCh37 (hg19) VCF-style: chr2-220286116-G-T.
Other names: c.1075G>T, p.Ala359Ser (NM_001382708.1); c.1057G>T, p.Ala353Ser (NM_001382711.1); c.1078G>T, p.Ala360Ser (NM_001382712.1); c.808G>T, p.Ala270Ser (NM_001382713.1); c.1024-15G>T (NM_001382710.1); c.736-90G>T (NM_001382709.1); c.1078G>T (NM_001927.3); short protein forms A359S, A353S, A360S, A270S.
Identifiers: ClinVar variation 1517261 (VCV001517261.12), dbSNP rs121913000, ClinGen allele CA350694040.

ClinVar aggregate classification (germline): Uncertain significance. Review status: criteria provided, multiple submitters, no conflicts (2 of 4 stars). 4 submissions from 4 submitters: Uncertain significance (4). Last evaluated 2025-02-16.

Conditions:
Neurogenic scapuloperoneal syndrome, Kaeser type (SCPNK). Also called: KAESER SYNDROME. Identifiers: Orphanet 85146, MedGen C1867005, MONDO:0008407, OMIM 181400.
Dilated cardiomyopathy 1I (CMD1I). Identifiers: Orphanet 154, MedGen C1858154, MONDO:0011482, OMIM 604765.
Desmin-related myofibrillar myopathy (MFM1). Also called: Myofibrillar myopathy 1; Desminopathy; Desmin related myopathy (former name); Desmin storage myopathy (former name); MYOFIBRILLAR MYOPATHY WITH ARRHYTHMOGENIC RIGHT VENTRICULAR CARDIOMYOPATHY; DESMIN-RELATED MYOPATHY WITH ARRHYTHMOGENIC RIGHT VENTRICULAR CARDIOMYOPATHY. Identifiers: Orphanet 363543, Orphanet 98909, MedGen C1832370, MONDO:0011076, OMIM 601419.

Allele frequency attached by ClinVar (database versions not stated): gnomAD exomes below 0.00001; TOPMed below 0.00001.
gnomAD v4.1: 1 of 1,614,122 alleles (0.000062%); highest among the groups gnomAD compares: Non-Finnish European, 0.000085%; no homozygotes.

Submissions (4):

Labcorp Genetics (formerly Invitae), Labcorp
Classification: Uncertain significance for Desmin-related myofibrillar myopathy. Last evaluated: 2025-02-16. Review status: criteria provided, single submitter. Criteria: Invitae Variant Classification Sherloc (09022015). Collection method: clinical testing. Allele origin: germline.
Comment: This sequence change replaces alanine, which is neutral and non-polar, with serine, which is neutral and polar, at codon 360 of the DES protein (p.Ala360Ser). This variant is not present in population databases (gnomAD no frequency). This missense change has been observed in individual(s) with left ventricular noncompaction (PMID: 28798025). ClinVar contains an entry for this variant (Variation ID: 1517261). Invitae Evidence Modeling of protein sequence and biophysical properties (such as structural, functional, and spatial information, amino acid conservation, physicochemical variation, residue mobility, and thermodynamic stability) has been performed for this missense variant. However, the output from this modeling did not meet the statistical confidence thresholds required to predict the impact of this variant on DES protein function. This variant disrupts the p.Ala360 amino acid residue in DES. Other variant(s) that disrupt this residue have been determined to be pathogenic (PMID: 9697706). This suggests that this residue is clinically significant, and that variants that disrupt this residue are likely to be disease-causing. In summary, the available evidence is currently insufficient to determine the role of this variant in disease. Therefore, it has been classified as a Variant of Uncertain Significance.

GeneDx
Classification: Uncertain significance. Last evaluated: 2023-06-21. Review status: criteria provided, single submitter. Criteria: GeneDx Variant Classification Process June 2021. Collection method: clinical testing. Allele origin: germline. Affected: yes.
Comment: Not observed at significant frequency in large population cohorts (gnomAD); In silico analysis supports that this missense variant does not alter protein structure/function; Identified in a patient with LVNC who also harbored a variant in the LDB3 gene (Miszalski-Jamka et al., 2017); This variant is associated with the following publications: (PMID: 28798025)

Fulgent Genetics
Classification: Uncertain significance for Neurogenic scapuloperoneal syndrome, Kaeser type; Desmin-related myofibrillar myopathy; Dilated cardiomyopathy 1I. Last evaluated: 2021-09-30. Review status: criteria provided, single submitter. Criteria: ACMG Guidelines, 2015. Collection method: clinical testing. Allele origin: unknown.

Revvity Omics, Revvity
Classification: Uncertain significance. Last evaluated: 2020-01-14. Review status: criteria provided, single submitter. Criteria: ACMG Guidelines, 2015. Collection method: clinical testing. Allele origin: germline.

Literature cited by the submitters: PubMed 28798025 (cited by Labcorp Genetics (formerly Invitae), Labcorp); PubMed 9697706 (cited by Labcorp Genetics (formerly Invitae), Labcorp).